The following is an entry in ClinVar:

ClinVar aggregate classification (germline): Uncertain significance (1 of 4 stars; one submission).

Conditions:
X-linked myopathy with postural muscle atrophy. Also called: FHL1-Related Emery-Dreifuss Muscular Dystrophy, X-Linked. Identifiers: Orphanet 178461, MedGen C2678055, MONDO:0010401, OMIM 300696.

Allele frequency attached by ClinVar (database versions not stated): ExAC 0.00001; gnomAD exomes 0.00001.
gnomAD v4.1: 3 of 1,210,993 alleles (0.00025%); highest among the groups gnomAD compares: Admixed American, 0.0065%; no homozygotes.

Submission:

Labcorp Genetics (formerly Invitae), Labcorp
Classification: Uncertain significance for X-linked myopathy with postural muscle atrophy. Last evaluated: 2023-08-31. Review status: criteria provided, single submitter. Criteria: Invitae Variant Classification Sherloc (09022015). Collection method: clinical testing. Allele origin: germline.
Comment: An algorithm developed to predict the effect of missense changes on protein structure and function (PolyPhen-2) suggests that this variant is likely to be disruptive. In summary, the available evidence is currently insufficient to determine the role of this variant in disease. Therefore, it has been classified as a Variant of Uncertain Significance. This variant has not been reported in the literature in individuals affected with FHL1-related conditions. This sequence change replaces alanine, which is neutral and non-polar, with threonine, which is neutral and polar, at codon 260 of the FHL1 protein (p.Ala260Thr). This variant is present in population databases (rs780191041, gnomAD 0.01%).

NM_001159699.2(FHL1):c.826G>A (p.Ala276Thr)

Gene: FHL1 (four and a half LIM domains 1; plus strand). Cytogenetic location: Xq26.3.
Variant type: single nucleotide variant.
Coding change: c.826G>A on transcript NM_001159699.2 (MANE Select); coding-DNA position 826, G replaced by A.
Protein change: p.Ala276Thr; replaces alanine 276 with threonine.
Molecular consequence: missense variant. On other transcripts: 3 prime UTR variant (6), non-coding transcript variant (1).
Genome position (GRCh38, 1-based): chrX:136,209,960, G>A. VCF-style: chrX-136209960-G-A. GRCh37 (hg19) VCF-style: chrX-135292119-G-A.
Other names: c.778G>A, p.Ala260Thr (NM_001159700.2, NM_001159704.1, NM_001167819.1 and 4 more transcripts); c.865G>A, p.Ala289Thr (NM_001159701.2); c.*6G>A (NM_001159702.3, NM_001159703.2, NM_001330659.2 and 3 more transcripts); short protein forms A260T, A276T, A289T.
Identifiers: ClinVar variation 2847727 (VCV002847727.3), dbSNP rs780191041, ClinGen allele CA10525130.